The following is an entry in ClinVar:

ClinVar aggregate classification (germline): Uncertain significance. Review status: criteria provided, multiple submitters, no conflicts (2 of 4 stars). 2 submissions from 2 submitters: Uncertain significance (2). Last evaluated 2025-11-26.

Conditions:
MHC class I deficiency. Identifiers: Orphanet 34592, MedGen C6024714, MONDO:0011476.
Inborn genetic diseases. Identifiers: MedGen C0950123, MeSH D030342.

Allele frequency attached by ClinVar (database versions not stated): gnomAD 0.00001; TOPMed 0.00002; gnomAD exomes 0.00001; ExAC 0.00001.
gnomAD v4.1: 16 of 1,612,776 alleles (0.00099%); highest among the groups gnomAD compares: South Asian, 0.0022%; no homozygotes.

Submissions (2):

Ambry Genetics
Classification: Uncertain significance for Inborn genetic diseases. Last evaluated: 2025-11-26. Review status: criteria provided, single submitter. Criteria: Ambry Variant Classification Scheme 2023. Collection method: clinical testing. Allele origin: germline.

Labcorp Genetics (formerly Invitae), Labcorp
Classification: Uncertain significance for MHC class I deficiency 1. Last evaluated: 2022-07-25. Review status: criteria provided, single submitter. Criteria: Invitae Variant Classification Sherloc (09022015). Collection method: clinical testing. Allele origin: germline.
Comment: In summary, the available evidence is currently insufficient to determine the role of this variant in disease. Therefore, it has been classified as a Variant of Uncertain Significance. Algorithms developed to predict the effect of missense changes on protein structure and function are either unavailable or do not agree on the potential impact of this missense change (SIFT: "Deleterious"; PolyPhen-2: "Probably Damaging"; Align-GVGD: "Class C0"). ClinVar contains an entry for this variant (Variation ID: 1034756). This variant has not been reported in the literature in individuals affected with TAP1-related conditions. This variant is present in population databases (rs769612391, gnomAD 0.003%). This sequence change replaces arginine, which is basic and polar, with glutamine, which is neutral and polar, at codon 715 of the TAP1 protein (p.Arg715Gln).

NM_000593.6(TAP1):c.1964G>A (p.Arg655Gln)

Gene: TAP1 (transporter 1, ATP binding cassette subfamily B member; minus strand). Cytogenetic location: 6p21.32.
Variant type: single nucleotide variant.
Coding change: c.1964G>A on transcript NM_000593.6 (MANE Select); coding-DNA position 1964, G replaced by A.
Protein change: p.Arg655Gln; replaces arginine 655 with glutamine.
Molecular consequence: missense variant.
Genome position (GRCh38, 1-based): chr6:32,847,144, C>T on the plus strand (G>A on the coding strand, the complement: TAP1 is on the minus strand). VCF-style: chr6-32847144-C-T. GRCh37 (hg19) VCF-style: chr6-32814921-C-T.
Other names: c.1361G>A, p.Arg454Gln (NM_001292022.2); c.2144G>A (NM_000593.5); short protein forms R655Q, R454Q.
Identifiers: ClinVar variation 1034756 (VCV001034756.9), dbSNP rs769612391, ClinGen allele CA3746626.